The following is an entry in ClinVar:

NM_053025.4(MYLK):c.1690G>C (p.Gly564Arg)

Gene: MYLK (myosin light chain kinase; minus strand). Cytogenetic location: 3q21.1.
Variant type: single nucleotide variant.
Coding change: c.1690G>C on transcript NM_053025.4 (MANE Select); coding-DNA position 1690, G replaced by C.
Protein change: p.Gly564Arg; replaces glycine 564 with arginine.
Molecular consequence: missense variant.
Genome position (GRCh38, 1-based): chr3:123,722,242, C>G on the plus strand (G>C on the coding strand, the complement: MYLK is on the minus strand). VCF-style: chr3-123722242-C-G. GRCh37 (hg19) VCF-style: chr3-123441089-C-G.
Other names: c.1162G>C, p.Gly388Arg (NM_001321309.2); c.1483G>C, p.Gly495Arg (NM_053026.4, NM_053028.4); c.1690G>C, p.Gly564Arg (NM_053027.4); short protein forms G388R, G564R, G495R.
Identifiers: ClinVar variation 2452947 (VCV002452947.2), dbSNP rs1275836800, ClinGen allele CA354235442.

ClinVar aggregate classification (germline): Uncertain significance (1 of 4 stars; one submission).

Conditions:
Familial thoracic aortic aneurysm and aortic dissection (TAAD). Also called: Thoracic aortic aneurysms and dissections. Identifiers: Orphanet 91387, MedGen C4707243, MONDO:0019625.

Submission:

Ambry Genetics
Classification: Uncertain significance for Familial thoracic aortic aneurysm and aortic dissection. Last evaluated: 2022-11-15. Review status: criteria provided, single submitter. Criteria: Ambry Variant Classification Scheme 2023. Collection method: clinical testing. Allele origin: germline.
Comment: The p.G564R variant (also known as c.1690G>C), located in coding exon 10 of the MYLK gene, results from a G to C substitution at nucleotide position 1690. The glycine at codon 564 is replaced by arginine, an amino acid with dissimilar properties. This amino acid position is conserved. In addition, the in silico prediction for this alteration is inconclusive. Since supporting evidence is limited at this time, the clinical significance of this alteration remains unclear.